The following is an entry in ClinVar:

NM_000090.4(COL3A1):c.432C>T (p.Cys144=)

Gene: COL3A1 (collagen type III alpha 1 chain; plus strand). Cytogenetic location: 2q32.2.
Variant type: single nucleotide variant.
Coding change: c.432C>T on transcript NM_000090.4 (MANE Select); coding-DNA position 432, C replaced by T.
Protein change: p.Cys144=; no amino-acid change (cysteine 144 retained).
Molecular consequence: synonymous variant.
Genome position (GRCh38, 1-based): chr2:188,985,763, C>T. VCF-style: chr2-188985763-C-T. GRCh37 (hg19) VCF-style: chr2-189850489-C-T.
Identifiers: ClinVar variation 333049 (VCV000333049.53), dbSNP rs539430522, ClinGen allele CA076568.

ClinVar aggregate classification (germline): Likely benign. Review status: criteria provided, multiple submitters, no conflicts (2 of 4 stars). 9 submissions from 9 submitters: Likely benign (8). 1 of the submissions does not count toward it. Last evaluated 2026-08-01.

Conditions:
COL3A1-related disorder. Also called: COL3A1-related condition.
Familial thoracic aortic aneurysm and aortic dissection (TAAD). Also called: Thoracic aortic aneurysms and dissections. Identifiers: Orphanet 91387, MedGen C4707243, MONDO:0019625.
Ehlers-Danlos syndrome, type 4 (EDSVASC). Also called: Ehlers-Danlos Syndrome Type IV; Ehlers-Danlos syndrome vascular type; Ehlers Danlos syndrome, ecchymotic type; Ehlers Danlos syndrome, arterial type; Ehlers Danlos syndrome, Sack-Barabas type. Identifiers: Orphanet 286, MedGen C0268338, MONDO:0017314, OMIM 130050.

Allele frequency attached by ClinVar (database versions not stated): gnomAD exomes 0.00005 and 0.00006; TOPMed 0.00007; 1000 Genomes Project 30x 0.00016; gnomAD 0.00002 and 0.00003; ExAC 0.00003; 1000 Genomes Project 0.00020.
gnomAD v4.1: 89 of 1,609,970 alleles (0.0055%); highest among the groups gnomAD compares: Admixed American, 0.022%; no homozygotes.

Submissions (9):

CeGaT Center for Human Genetics Tuebingen
Classification: Likely benign. Last evaluated: 2026-08-01. Review status: criteria provided, single submitter. Criteria: CeGaT Center For Human Genetics Tuebingen Variant Classification Criteria Version 2. Collection method: clinical testing. Allele origin: germline. Affected: yes. Observed: 3 variant alleles.
Comment: COL3A1: BP4, BP7

Labcorp Genetics (formerly Invitae), Labcorp
Classification: Likely benign for Ehlers-Danlos syndrome, type 4. Last evaluated: 2025-07-30. Review status: criteria provided, single submitter. Criteria: Invitae Variant Classification Sherloc (09022015). Collection method: clinical testing. Allele origin: germline.

Women's Health and Genetics/Laboratory Corporation of America, LabCorp
Classification: Likely benign. Last evaluated: 2025-06-30. Review status: criteria provided, single submitter. Criteria: LabCorp Variant Classification Summary - May 2015. Collection method: clinical testing. Allele origin: germline.

All of Us Research Program, National Institutes of Health
Classification: Likely benign for Ehlers-Danlos syndrome, type 4. Last evaluated: 2023-11-28. Review status: criteria provided, single submitter. Criteria: ACMG Guidelines, 2015. Collection method: clinical testing. Allele origin: germline. Inheritance: Autosomal dominant inheritance. Observed: 11 variant alleles, 11 heterozygotes.
Comment: This study involves interpretation of variants in research participants for the purpose of population health screening. Participant phenotype was not available at the time of variant classification. Additional details can be found in publication PMID: 35346344, PMCID: PMC8962531

CHEO Genetics Diagnostic Laboratory, Children's Hospital of Eastern Ontario
Classification: Likely benign for Familial thoracic aortic aneurysm and aortic dissection. Last evaluated: 2022-07-06. Review status: criteria provided, single submitter. Criteria: ACMG Guidelines, 2015. Collection method: clinical testing. Allele origin: germline.

Blueprint Genetics
Classification: Likely benign. Last evaluated: 2022-02-22. Review status: criteria provided, single submitter. Criteria: ACMG Guidelines, 2015. Collection method: clinical testing. Allele origin: germline.

Ambry Genetics
Classification: Likely benign for Familial thoracic aortic aneurysm and aortic dissection. Last evaluated: 2019-09-20. Review status: criteria provided, single submitter. Criteria: Ambry Variant Classification Scheme 2023. Collection method: clinical testing. Allele origin: germline.

Color Diagnostics, LLC DBA Color Health
Classification: Likely benign for Familial thoracic aortic aneurysm and aortic dissection. Last evaluated: 2018-11-08. Review status: criteria provided, single submitter. Criteria: ACMG Guidelines, 2015. Collection method: clinical testing. Allele origin: germline.

PreventionGenetics, part of Exact Sciences
Classification: Likely benign for COL3A1-related condition. Last evaluated: 2019-06-05. Review status: no assertion criteria provided. Collection method: clinical testing. Allele origin: germline. Not counted in ClinVar's aggregate classification.
Comment: This variant is classified as likely benign based on ACMG/AMP sequence variant interpretation guidelines (Richards et al. 2015 PMID: 25741868, with internal and published modifications).